The following is an entry in ClinVar:

NM_014832.5(TBC1D4):c.1569A>C (p.Glu523Asp)

Gene: TBC1D4 (TBC1 domain family member 4; minus strand). Cytogenetic location: 13q22.2.
Variant type: single nucleotide variant.
Coding change: c.1569A>C on transcript NM_014832.5 (MANE Select); coding-DNA position 1569, A replaced by C.
Protein change: p.Glu523Asp; replaces glutamic acid 523 with aspartic acid.
Molecular consequence: missense variant.
Genome position (GRCh38, 1-based): chr13:75,341,167, T>G on the plus strand (A>C on the coding strand, the complement: TBC1D4 is on the minus strand). VCF-style: chr13-75341167-T-G. GRCh37 (hg19) VCF-style: chr13-75915303-T-G.
Other names: c.1569A>C, p.Glu523Asp (NM_001286658.2, NM_001286659.2); short protein forms E523D.
Identifiers: ClinVar variation 1336755 (VCV001336755.5), dbSNP rs201972898, ClinGen allele CA7003980.
Genomic context (GRCh38, chr13:75,341,167, plus strand): 5'-TAGGAAATATCTTCTCACAGAAGGGCCTTCCCCGATGTGCACGTGTGTCTTCTGCTTGGC[T>G]TCACACAGCTGCCTCAGGTGTAAAATCACAAGTTCATTTTCTTCCTGGTCACTGACTGGC-3'
Protein context (NP_055647.2, residues 513-533): LVILHLRQLC[Glu523Asp]AKQKTHVHIG

ClinVar aggregate classification (germline): Uncertain significance. Review status: criteria provided, single submitter (1 of 4 stars). 2 submissions from 2 submitters: Uncertain significance (1). 1 of the submissions does not count toward it. Last evaluated 2017-12-05.

Conditions:
TBC1D4-related disorder. Also called: TBC1D4-related condition.

Allele frequency attached by ClinVar (database versions not stated): 1000 Genomes Project 30x 0.00078; 1000 Genomes Project 0.00080; TOPMed 0.00176; ESP Exome Variant Server 0.00177; gnomAD 0.00197 and 0.00212; gnomAD exomes 0.00213 and 0.00254; ExAC 0.00278.
gnomAD v4.1: 3,962 of 1,613,574 alleles (0.25%); highest among the groups gnomAD compares: Non-Finnish European, 0.31%; 12 homozygotes.

Submissions (2):

Genetic Services Laboratory, University of Chicago
Classification: Uncertain significance. Last evaluated: 2017-12-05. Review status: criteria provided, single submitter. Criteria: ACMG Guidelines, 2015. Collection method: clinical testing. Allele origin: germline. Affected: no.

PreventionGenetics, part of Exact Sciences
Classification: Likely benign for TBC1D4-related condition. Last evaluated: 2024-06-13. Review status: no assertion criteria provided. Collection method: clinical testing. Allele origin: germline. Not counted in ClinVar's aggregate classification.
Comment: This variant is classified as likely benign based on ACMG/AMP sequence variant interpretation guidelines (Richards et al. 2015 PMID: 25741868, with internal and published modifications).